The following is an entry in ClinVar:

ClinVar aggregate classification (germline): Uncertain significance (1 of 4 stars; one submission).

Allele frequency attached by ClinVar (database versions not stated): ExAC 0.00011.
gnomAD v4.1: 10 of 1,526,290 alleles (0.00066%); highest among the groups gnomAD compares: South Asian, 0.0012%; no homozygotes.

Submission:

Labcorp Genetics (formerly Invitae), Labcorp
Classification: Uncertain significance. Last evaluated: 2022-04-11. Review status: criteria provided, single submitter. Criteria: Invitae Variant Classification Sherloc (09022015). Collection method: clinical testing. Allele origin: germline.
Comment: This sequence change replaces proline, which is neutral and non-polar, with arginine, which is basic and polar, at codon 48 of the NSMCE3 protein (p.Pro48Arg). This variant is present in population databases (rs745425573, gnomAD 0.005%). This variant has not been reported in the literature in individuals affected with NSMCE3-related conditions. Algorithms developed to predict the effect of missense changes on protein structure and function are either unavailable or do not agree on the potential impact of this missense change (SIFT: "Tolerated"; PolyPhen-2: "Possibly Damaging"; Align-GVGD: "Class C0"). In summary, the available evidence is currently insufficient to determine the role of this variant in disease. Therefore, it has been classified as a Variant of Uncertain Significance.

NM_138704.4(NSMCE3):c.143C>G (p.Pro48Arg)

Genes: ENTREP2 (endosomal transmembrane epsin interactor 2; minus strand), NSMCE3 (NSE3 homolog, SMC5-SMC6 complex component; minus strand). Cytogenetic location: 15q13.1.
Variant type: single nucleotide variant.
Coding change: c.143C>G on transcript NM_138704.4 (MANE Select); coding-DNA position 143, C replaced by G.
Protein change: p.Pro48Arg; replaces proline 48 with arginine.
Molecular consequence: missense variant. On other transcripts: intron variant (5).
Genome position (GRCh38, 1-based): chr15:29,269,563, G>C on the plus strand (C>G on the coding strand, the complement: NSMCE3 is on the minus strand). VCF-style: chr15-29269563-G-C. GRCh37 (hg19) VCF-style: chr15-29561767-G-C.
Other names: c.-12-17085C>G (NM_001387217.1, NM_001387215.1, NM_001387216.1); c.277-17085C>G (NM_001387214.1, NM_015307.2); short protein forms P48R.
Identifiers: ClinVar variation 2102625 (VCV002102625.1), dbSNP rs745425573, ClinGen allele CA7446222.